The following is an entry in ClinVar:

NM_000540.3(RYR1):c.12860C>G (p.Ala4287Gly)

Gene: RYR1 (ryanodine receptor 1; plus strand). Cytogenetic location: 19q13.2.
Variant type: single nucleotide variant.
Coding change: c.12860C>G on transcript NM_000540.3 (MANE Select); coding-DNA position 12860, C replaced by G.
Protein change: p.Ala4287Gly; replaces alanine 4287 with glycine.
Molecular consequence: missense variant.
Genome position (GRCh38, 1-based): chr19:38,565,194, C>G. VCF-style: chr19-38565194-C-G. GRCh37 (hg19) VCF-style: chr19-39055834-C-G.
Other names: c.12845C>G, p.Ala4282Gly (NM_001042723.2); short protein forms A4282G, A4287G.
Identifiers: ClinVar variation 968697 (VCV000968697.7), dbSNP rs1973341591, ClinGen allele CA405672354.

ClinVar aggregate classification (germline): Uncertain significance (1 of 4 stars; one submission).

Conditions:
RYR1-related disorder. Also called: RYR1-related disorders; RYR1-related condition. Identifiers: MedGen CN239331.

gnomAD v4.1: 20 of 1,047,512 alleles (0.0019%); highest among the groups gnomAD compares: South Asian, 0.0088%; no homozygotes.

Submission:

Labcorp Genetics (formerly Invitae), Labcorp
Classification: Uncertain significance for RYR1-related disorder. Last evaluated: 2021-09-01. Review status: criteria provided, single submitter. Criteria: Invitae Variant Classification Sherloc (09022015). Collection method: clinical testing. Allele origin: germline.
Comment: This sequence change replaces alanine with glycine at codon 4287 of the RYR1 protein (p.Ala4287Gly). The alanine residue is weakly conserved and there is a small physicochemical difference between alanine and glycine. The frequency data for this variant in the population databases is considered unreliable, as metrics indicate insufficient coverage at this position in the ExAC database. This missense change has been observed in individual(s) with clinical features of congenital myopathy (Invitae). Algorithms developed to predict the effect of missense changes on protein structure and function output the following: SIFT: "Tolerated"; PolyPhen-2: "Benign"; Align-GVGD: "Class C0". The glycine amino acid residue is found in multiple mammalian species, which suggests that this missense change does not adversely affect protein function. In summary, the available evidence is currently insufficient to determine the role of this variant in disease. Therefore, it has been classified as a Variant of Uncertain Significance.